The following is an entry in ClinVar:

NM_017607.4(PPP1R12C):c.2280C>T (p.Arg760=)

Gene: PPP1R12C (protein phosphatase 1 regulatory subunit 12C; minus strand). Cytogenetic location: 19q13.42.
Variant type: single nucleotide variant.
Coding change: c.2280C>T on transcript NM_017607.4 (MANE Select); coding-DNA position 2280, C replaced by T.
Protein change: p.Arg760=; no amino-acid change (arginine 760 retained).
Molecular consequence: synonymous variant.
Genome position (GRCh38, 1-based): chr19:55,091,541, G>A on the plus strand (C>T on the coding strand, the complement: PPP1R12C is on the minus strand). VCF-style: chr19-55091541-G-A. GRCh37 (hg19) VCF-style: chr19-55602909-G-A.
Other names: c.2274C>T, p.Arg758= (NM_001271618.2).
Identifiers: ClinVar variation 4084093 (VCV004084093.8).

ClinVar aggregate classification (germline): Likely benign (1 of 4 stars; one submission).

gnomAD v4.1: 171 of 1,613,704 alleles (0.011%); highest among the groups gnomAD compares: South Asian, 0.061%; no homozygotes.

Submission:

CeGaT Center for Human Genetics Tuebingen
Classification: Likely benign. Last evaluated: 2025-07-01. Review status: criteria provided, single submitter. Criteria: CeGaT Center For Human Genetics Tuebingen Variant Classification Criteria Version 2. Collection method: clinical testing. Allele origin: germline. Affected: yes. Observed: 1 variant allele.
Comment: PPP1R12C: BP4, BP7